The following is an entry in ClinVar:

NM_000548.5(TSC2):c.2717A>C (p.Lys906Thr)

Gene: TSC2 (TSC complex subunit 2; plus strand). Cytogenetic location: 16p13.3.
Variant type: single nucleotide variant.
Coding change: c.2717A>C on transcript NM_000548.5 (MANE Select); coding-DNA position 2717, A replaced by C.
Protein change: p.Lys906Thr; replaces lysine 906 with threonine.
Molecular consequence: missense variant. On other transcripts: non-coding transcript variant (5).
Genome position (GRCh38, 1-based): chr16:2,076,145, A>C. VCF-style: chr16-2076145-A-C. GRCh37 (hg19) VCF-style: chr16-2126146-A-C.
Other names: c.2660A>C, p.Lys887Thr (NM_001406677.1); c.2117A>C, p.Lys706Thr (NM_001406680.1, NM_001406682.1, NM_001406683.1 and 6 more transcripts); c.2255A>C, p.Lys752Thr (NM_001406681.1); c.2606A>C, p.Lys869Thr (NM_001406678.1, NM_001318827.2, NM_001406670.1); c.2570A>C, p.Lys857Thr (NM_001406679.1, NM_001318829.2, NM_001406675.1 and 1 more transcripts); c.2717A>C, p.Lys906Thr (NM_001077183.3, NM_001114382.3, NM_001363528.2 and 6 more transcripts); c.2750A>C, p.Lys917Thr (NM_001318832.2); c.2807A>C, p.Lys936Thr (NM_001406667.1, NM_001406668.1); and 3 more; short protein forms K458T, K917T, K936T, K752T, K887T, K906T, K372T, K706T.
Identifiers: ClinVar variation 2564685 (VCV002564685.2), dbSNP rs2089327881, ClinGen allele CA394279504.
Genomic context (GRCh38, chr16:2,076,145, plus strand): 5'-TGTGTCTGGCCCATCACGTCATAGCCATGTGGTTCATCAGGTGCCGCCTGCCCTTCCGGA[A>C]GGATTTTGTCCCTTTCATCACTAAGGTGGGCTCAGGGCCGGTGAAGGCTGTGTCTCTCGG-3'
Protein context (NP_000539.2, residues 896-916): WFIRCRLPFR[Lys906Thr]DFVPFITKGL

ClinVar aggregate classification (germline): Uncertain significance (1 of 4 stars; one submission).

Conditions:
Hereditary cancer-predisposing syndrome. Also called: Neoplastic Syndromes, Hereditary; Hereditary Cancer Syndrome; Hereditary neoplastic syndrome; Tumor predisposition. Identifiers: Orphanet 140162, MedGen C0027672, MeSH D009386, MONDO:0015356.

Submission:

Ambry Genetics
Classification: Uncertain significance for Hereditary cancer-predisposing syndrome. Last evaluated: 2023-04-18. Review status: criteria provided, single submitter. Criteria: Ambry Variant Classification Scheme 2023. Collection method: clinical testing. Allele origin: germline.
Comment: The p.K906T variant (also known as c.2717A>C), located in coding exon 23 of the TSC2 gene, results from an A to C substitution at nucleotide position 2717. The lysine at codon 906 is replaced by threonine, an amino acid with similar properties. This amino acid position is conserved. In addition, this alteration is predicted to be deleterious by in silico analysis. Since supporting evidence is limited at this time, the clinical significance of this alteration remains unclear.